The following is an entry in ClinVar:

ClinVar aggregate classification (germline): Uncertain significance (1 of 4 stars; one submission).

Conditions:
Perlman syndrome (PRLMNS). Identifiers: Orphanet 2849, MedGen C0796113, MONDO:0009965, OMIM 267000.

Submission:

Labcorp Genetics (formerly Invitae), Labcorp
Classification: Uncertain significance for Perlman syndrome. Last evaluated: 2023-08-25. Review status: criteria provided, single submitter. Criteria: Invitae Variant Classification Sherloc (09022015). Collection method: clinical testing. Allele origin: germline.
Comment: In summary, the available evidence is currently insufficient to determine the role of this variant in disease. Therefore, it has been classified as a Variant of Uncertain Significance. Studies have shown that this missense change is associated with altered splicing resulting in unknown protein product impact (Invitae). Algorithms developed to predict the effect of missense changes on protein structure and function output the following: SIFT: "Not Available"; PolyPhen-2: "Benign"; Align-GVGD: "Not Available". The arginine amino acid residue is found in multiple mammalian species, which suggests that this missense change does not adversely affect protein function. ClinVar contains an entry for this variant (Variation ID: 665973). This variant has not been reported in the literature in individuals affected with DIS3L2-related conditions. This variant is not present in population databases (gnomAD no frequency). This sequence change replaces lysine, which is basic and polar, with arginine, which is basic and polar, at codon 56 of the DIS3L2 protein (p.Lys56Arg).

NM_152383.5(DIS3L2):c.167A>G (p.Lys56Arg)

Gene: DIS3L2 (DIS3 like 3'-5' exoribonuclease 2; plus strand). Cytogenetic location: 2q37.1.
Variant type: single nucleotide variant.
Coding change: c.167A>G on transcript NM_152383.5 (MANE Select); coding-DNA position 167, A replaced by G.
Protein change: p.Lys56Arg; replaces lysine 56 with arginine.
Molecular consequence: missense variant. On other transcripts: non-coding transcript variant (2).
Genome position (GRCh38, 1-based): chr2:232,015,628, A>G. VCF-style: chr2-232015628-A-G. GRCh37 (hg19) VCF-style: chr2-232880338-A-G.
Other names: c.167A>G, p.Lys56Arg (NM_001257281.2, NM_001257282.2); short protein forms K56R.
Identifiers: ClinVar variation 665973 (VCV000665973.8), dbSNP rs1377112032, ClinGen allele CA351152045.
Genomic context (GRCh38, chr2:232,015,628, plus strand): 5'-AGTCAAAGAACAGGTCCACACGAGGGAAGAAAAAGAGCATATTTGAAACTTACATGTCCA[A>G]GGAGGATGTTTCAGAAGGCTTGAAGAGAGGAACACTCATCCAGGTGCTTAAAATCTACTG-3'
Protein context (NP_689596.4, residues 46-66): KKSIFETYMS[Lys56Arg]EDVSEGLKRG